The following is an entry in ClinVar:

NM_003690.5(PRKRA):c.109C>G (p.Gln37Glu)

Gene: PRKRA (protein activator of interferon induced protein kinase EIF2AK2; minus strand). Cytogenetic location: 2q31.2.
Variant type: single nucleotide variant.
Coding change: c.109C>G on transcript NM_003690.5 (MANE Select); coding-DNA position 109, C replaced by G.
Protein change: p.Gln37Glu; replaces glutamine 37 with glutamic acid.
Molecular consequence: missense variant. On other transcripts: 5 prime UTR variant (1).
Genome position (GRCh38, 1-based): chr2:178,450,368, G>C on the plus strand (C>G on the coding strand, the complement: PRKRA is on the minus strand). VCF-style: chr2-178450368-G-C. GRCh37 (hg19) VCF-style: chr2-179315095-G-C.
Other names: c.76C>G, p.Gln26Glu (NM_001139517.2); c.34C>G, p.Gln12Glu (NM_001139518.2); c.-341C>G (NM_001316362.2); short protein forms Q26E, Q12E, Q37E.
Identifiers: ClinVar variation 1511108 (VCV001511108.3), dbSNP rs2154125583, ClinGen allele CA349396304.
Genomic context (GRCh38, chr2:178,450,368, plus strand): 5'-ATCTTTCACATTCATAAACTGGGATGTTCTTGGTCTTCATGCCGTATTCGTGTAATACCT[G>C]AATCGGTGTTTTCCCTGGCTTAGCTGTTATCATCTTCCCCAAACTGCAAAAACCACAAAA-3'
Protein context (NP_003681.1, residues 27-47): ITAKPGKTPI[Gln37Glu]VLHEYGMKTK

ClinVar aggregate classification (germline): Uncertain significance (1 of 4 stars; one submission).

Conditions:
Dystonia 16 (DYT16). Also called: DYT-PRKRA. Identifiers: Orphanet 210571, MedGen C2677567, MONDO:0012789, OMIM 612067.

Submission:

Labcorp Genetics (formerly Invitae), Labcorp
Classification: Uncertain significance for Dystonia 16. Last evaluated: 2021-10-18. Review status: criteria provided, single submitter. Criteria: Invitae Variant Classification Sherloc (09022015). Collection method: clinical testing. Allele origin: germline.
Comment: This sequence change replaces glutamine with glutamic acid at codon 37 of the PRKRA protein (p.Gln37Glu). The glutamine residue is highly conserved and there is a small physicochemical difference between glutamine and glutamic acid. This variant is not present in population databases (ExAC no frequency). This variant has not been reported in the literature in individuals affected with PRKRA-related conditions. Algorithms developed to predict the effect of missense changes on protein structure and function (SIFT, PolyPhen-2, Align-GVGD) all suggest that this variant is likely to be tolerated. In summary, the available evidence is currently insufficient to determine the role of this variant in disease. Therefore, it has been classified as a Variant of Uncertain Significance.